The following is an entry in ClinVar:

ClinVar aggregate classification (germline): Uncertain significance (1 of 4 stars; one submission).

Submission:

Labcorp Genetics (formerly Invitae), Labcorp
Classification: Uncertain significance. Last evaluated: 2024-09-06. Review status: criteria provided, single submitter. Criteria: Invitae Variant Classification Sherloc (09022015). Collection method: clinical testing. Allele origin: germline.
Comment: This sequence change creates a premature translational stop signal (p.Glu189*) in the CTF1 gene. While this is not anticipated to result in nonsense mediated decay, it is expected to disrupt the last 13 amino acid(s) of the CTF1 protein. This variant is not present in population databases (gnomAD no frequency). This variant has not been reported in the literature in individuals affected with CTF1-related conditions. ClinVar contains an entry for this variant (Variation ID: 1461538). In summary, the available evidence is currently insufficient to determine the role of this variant in disease. Therefore, it has been classified as a Variant of Uncertain Significance.

NM_001330.5(CTF1):c.565G>T (p.Glu189Ter)

Genes: CTF1 (cardiotrophin 1; plus strand), LOC130058878 (ATAC-STARR-seq lymphoblastoid silent region 7400; plus strand). Cytogenetic location: 16p11.2.
Variant type: single nucleotide variant.
Coding change: c.565G>T on transcript NM_001330.5 (MANE Select); coding-DNA position 565, G replaced by T.
Protein change: p.Glu189Ter; replaces glutamic acid 189 with a stop codon.
Molecular consequence: nonsense. On other transcripts: non-coding transcript variant (1).
Genome position (GRCh38, 1-based): chr16:30,902,498, G>T. VCF-style: chr16-30902498-G-T. GRCh37 (hg19) VCF-style: chr16-30913819-G-T.
Other names: c.562G>T, p.Glu188Ter (NM_001142544.3); short protein forms E188*, E189*.
Identifiers: ClinVar variation 1461538 (VCV001461538.8), dbSNP rs1202428159, ClinGen allele CA395619752.